The following is an entry in ClinVar:

NM_001007237.3(IGSF3):c.300G>A (p.Gly100=)

Gene: IGSF3 (immunoglobulin superfamily member 3; minus strand). Cytogenetic location: 1p13.1.
Variant type: single nucleotide variant.
Coding change: c.300G>A on transcript NM_001007237.3 (MANE Select); coding-DNA position 300, G replaced by A.
Protein change: p.Gly100=; no amino-acid change (glycine 100 retained).
Molecular consequence: synonymous variant.
Genome position (GRCh38, 1-based): chr1:116,616,201, C>T on the plus strand (G>A on the coding strand, the complement: IGSF3 is on the minus strand). VCF-style: chr1-116616201-C-T. GRCh37 (hg19) VCF-style: chr1-117158823-C-T.
Other names: c.300G>A, p.Gly100= (NM_001542.4).
Identifiers: ClinVar variation 2639027 (VCV002639027.24), dbSNP rs775220134, ClinGen allele CA1026825.

ClinVar aggregate classification (germline): Likely benign (1 of 4 stars; one submission).

Allele frequency attached by ClinVar (database versions not stated): gnomAD 0.00010; gnomAD exomes 0.00012; TOPMed 0.00012; ExAC 0.00015.
gnomAD v4.1: 194 of 1,613,850 alleles (0.012%); highest among the groups gnomAD compares: South Asian, 0.031%; no homozygotes.

Submission:

CeGaT Center for Human Genetics Tuebingen
Classification: Likely benign. Last evaluated: 2022-10-01. Review status: criteria provided, single submitter. Criteria: CeGaT Center For Human Genetics Tuebingen Variant Classification Criteria Version 2. Collection method: clinical testing. Allele origin: germline. Affected: yes. Observed: 1 variant allele.
Comment: IGSF3: BP4, BP7